The following continues an entry in ClinVar:

NM_130837.3(OPA1):c.2873_2876del

Gene: OPA1. ClinVar aggregate classification (germline): Pathogenic/Likely pathogenic. Pathogenic (32); Likely pathogenic (2).

Submission 42 of 42:

Practice for Gait Abnormalities, David Pomarino, Competency Network Toe Walking C/o Practice Pomarino
Classification: Likely pathogenic for Tip-toe gait. Last evaluated: 2022-11-23. Review status: flagged submission. Collection method: clinical testing. Allele origin: germline. Affected: yes. Not counted in ClinVar's aggregate classification.
Comment: Hereditary motor sensory neuropathy (HMSN), also known as Charcot-Marie-Tooth Disease (CMT), is the most commonly inherited peripheral polyneuropathy. It constitutes a group of inherited, progressive, motor and sensory peripheral nerve disorders with properties of demyelination, axonal degeneration, or both. It is classified by clinical characteristics, modes of inheritance, electrophysiologic features, metabolic defects, and specific gene markers. Our patients all walk on tiptoe, so they show similar symptoms. When we genetically test them with our toe walking panel, we find that around 90 per cent of them have a genetic variant that explains their toe walking. These can be assigned, for example, to the area of myopathies (such as variants of the COL6A3 gene), the area of hereditary neuropathies (such as variants of the KMT2C gene) or the area of metabolic diseases (such as variants of the PYGM gene). In a smaller group of patients with almost identical symptoms, no abnormality is found in the genes of our panel, but spastic paraplegia can be detected. In another small group of our toe walkers, no abnormalities can be detected in the genes analysed in our toe walking panel, nor do they suffer from spastic paraplegia, as is also the case with healthy children. In contrast to these, however, they show a tiptoe gait. These patients suffer from infantile cerebral palsy, in which toe walking can also be observed.
ClinVar note: Notes: This gene has insufficient supporting evidence for isolated Tip-Toe Gait.
ClinVar note: Reason: Outlier claim with insufficient supporting evidence

Literature cited by the submitters: PubMed 11440988 (cited by 3 submitters); PubMed 20157015 (cited by 3 submitters); PubMed 20952381 (cited by 3 submitters); PubMed 25012220 (cited by 5 submitters); PubMed 11017079 (cited by 6 submitters); PubMed 26385429 (cited by 3 submitters); PubMed 14961560 (cited by 3 submitters); PubMed 20417570 (cited by 3billion and New York Genome Center); PubMed 21636302 (cited by 4 submitters); PubMed 23250881 (cited by 3 submitters); PubMed 34242285 (cited by 4 submitters); PubMed 35273349 (cited by Ambry Genetics and New York Genome Center); PubMed 35883160 (cited by Ambry Genetics); PubMed 38334784 (cited by Ambry Genetics); PubMed 17306754 (cited by Victorian Clinical Genetics Services, Murdoch Childrens Research Institute and Women's Health and Genetics/Laboratory Corporation of America, LabCorp); PubMed 18222991 (cited by 3 submitters); PubMed 30165240 (cited by Victorian Clinical Genetics Services, Murdoch Childrens Research Institute); PubMed 31500643 (cited by Victorian Clinical Genetics Services, Murdoch Childrens Research Institute); PubMed 28494813 (cited by Victorian Clinical Genetics Services, Murdoch Childrens Research Institute); PubMed 11440989 (cited by 5 submitters); PubMed 32025183 (cited by Mayo Clinic Laboratories, Mayo Clinic and Athena Diagnostics); PubMed 33884488 (cited by 3 submitters); PubMed 25641387 (cited by Athena Diagnostics); PubMed 24907432 (cited by Athena Diagnostics); PubMed 11810270 (cited by Athena Diagnostics); PubMed 12036970 (cited by Athena Diagnostics); PubMed 21646330 (cited by Athena Diagnostics and New York Genome Center); PubMed 33546218 (cited by Athena Diagnostics); PubMed 16513463 (cited by Athena Diagnostics); PubMed 22857269 (cited by Athena Diagnostics); PubMed 15505825 (cited by Athena Diagnostics); PubMed 22042570 (cited by Athena Diagnostics); PubMed 23401657 (cited by Athena Diagnostics); PubMed 20659957 (cited by Athena Diagnostics); PubMed 3202518 (cited by New York Genome Center); PubMed 28812649 (cited by Mitochondrial Research Group, Newcastle University); PubMed 9490303 (cited by OMIM); PubMed 9917792 (cited by OMIM); NCBI Bookshelf NBK1248 (cited by GeneReviews); PubMed 37091313 (cited by Practice for Gait Abnormalities, David Pomarino, Competency Network Toe Walking C/o Practice Pomarino).